The following is an entry in ClinVar:

NM_001374353.1(GLI2):c.118G>A (p.Ala40Thr)

Gene: GLI2 (GLI family zinc finger 2; plus strand). Cytogenetic location: 2q14.2.
Variant type: single nucleotide variant.
Coding change: c.118G>A on transcript NM_001374353.1 (MANE Select); coding-DNA position 118, G replaced by A.
Protein change: p.Ala40Thr; replaces alanine 40 with threonine.
Molecular consequence: missense variant. On other transcripts: 5 prime UTR variant (1).
Genome position (GRCh38, 1-based): chr2:120,797,438, G>A. VCF-style: chr2-120797438-G-A. GRCh37 (hg19) VCF-style: chr2-121555014-G-A.
Other names: c.118G>A, p.Ala40Thr (NM_001371271.1, NM_005270.5); c.-152G>A (NM_001374354.1); c.118G>A (NM_005270.4); short protein forms A40T.
Identifiers: ClinVar variation 1379957 (VCV001379957.13), dbSNP rs776675838, ClinGen allele CA1851399.

ClinVar aggregate classification (germline): Uncertain significance. Review status: criteria provided, multiple submitters, no conflicts (2 of 4 stars). 3 submissions from 3 submitters: Uncertain significance (3). Last evaluated 2025-10-29.

Conditions:
Holoprosencephaly 9 (HPE9). Also called: PITUITARY ANOMALIES WITH HOLOPROSENCEPHALY-LIKE FEATURES; HOLOPROSENCEPHALY WITH MICROPHTHALMIA AND FIRST BRANCHIAL ARCH ANOMALIES. Identifiers: Orphanet 2162, MedGen C1835819, MONDO:0012563, OMIM 610829.
Postaxial polydactyly-anterior pituitary anomalies-facial dysmorphism syndrome. Also called: Culler-Jones syndrome. Identifiers: Orphanet 420584, MedGen C4014479, MONDO:0014369, OMIM 615849.
Inborn genetic diseases. Identifiers: MedGen C0950123, MeSH D030342.

Allele frequency attached by ClinVar (database versions not stated): gnomAD exomes 0.00002 and 0.00003; TOPMed 0.00002; ExAC 0.00003; gnomAD 0.00004.
gnomAD v4.1: 43 of 1,613,946 alleles (0.0027%); highest among the groups gnomAD compares: Non-Finnish European, 0.0035%; no homozygotes.

Submissions (3):

Women's Health and Genetics/Laboratory Corporation of America, LabCorp
Classification: Uncertain significance. Last evaluated: 2025-10-29. Review status: criteria provided, single submitter. Criteria: LabCorp Variant Classification Summary - May 2015. Collection method: clinical testing. Allele origin: germline.
Comment: Variant summary: GLI2 c.118G>A (p.Ala40Thr) results in a non-conservative amino acid change in the encoded protein sequence. Algorithms developed to predict the effect of missense changes on protein structure and function are either unavailable or do not agree on the potential impact of this missense change. The variant allele was found at a frequency of 2.4e-05 in 250724 control chromosomes. The available data on variant occurrences in the general population are insufficient to allow any conclusion about variant significance. To our knowledge, no occurrence of c.118G>A in individuals affected with GLI2-related conditions and no experimental evidence demonstrating its impact on protein function have been reported. ClinVar contains an entry for this variant (Variation ID: 1379957). Based on the evidence outlined above, the variant was classified as uncertain significance.

Ambry Genetics
Classification: Uncertain significance for Inborn genetic diseases. Last evaluated: 2025-07-02. Review status: criteria provided, single submitter. Criteria: Ambry Variant Classification Scheme 2023. Collection method: clinical testing. Allele origin: germline.

Labcorp Genetics (formerly Invitae), Labcorp
Classification: Uncertain significance for Postaxial polydactyly-anterior pituitary anomalies-facial dysmorphism syndrome; Holoprosencephaly 9. Last evaluated: 2022-02-05. Review status: criteria provided, single submitter. Criteria: Invitae Variant Classification Sherloc (09022015). Collection method: clinical testing. Allele origin: germline.
Comment: In summary, the available evidence is currently insufficient to determine the role of this variant in disease. Therefore, it has been classified as a Variant of Uncertain Significance. Algorithms developed to predict the effect of missense changes on protein structure and function are either unavailable or do not agree on the potential impact of this missense change (SIFT: "Deleterious"; PolyPhen-2: "Benign"; Align-GVGD: "Class C0"). This variant has not been reported in the literature in individuals affected with GLI2-related conditions. This variant is present in population databases (rs776675838, gnomAD 0.006%). This sequence change replaces alanine, which is neutral and non-polar, with threonine, which is neutral and polar, at codon 40 of the GLI2 protein (p.Ala40Thr).